The following is an entry in ClinVar:

ClinVar aggregate classification (germline): Uncertain significance (1 of 4 stars; one submission).

Submission:

GeneDx
Classification: Uncertain significance. Last evaluated: 2025-02-04. Review status: criteria provided, single submitter. Criteria: GeneDx Variant Classification Process June 2021. Collection method: clinical testing. Allele origin: germline. Affected: yes.
Comment: Not observed at significant frequency in large population cohorts (gnomAD); In silico analysis supports that this missense variant has a deleterious effect on protein structure/function; Has not been previously published as pathogenic or benign to our knowledge

NM_001080477.4(TENM3):c.2363A>T (p.Glu788Val)

Gene: TENM3 (teneurin transmembrane protein 3; plus strand). Cytogenetic location: 4q35.1.
Variant type: single nucleotide variant.
Coding change: c.2363A>T on transcript NM_001080477.4 (MANE Select); coding-DNA position 2363, A replaced by T.
Protein change: p.Glu788Val; replaces glutamic acid 788 with valine.
Molecular consequence: missense variant.
Genome position (GRCh38, 1-based): chr4:182,714,228, A>T. VCF-style: chr4-182714228-A-T. GRCh37 (hg19) VCF-style: chr4-183635381-A-T.
Other names: c.1574A>T, p.Glu525Val (NM_001415960.1); c.1547A>T, p.Glu516Val (NM_001415961.1, NM_001415962.1, NM_001415963.1 and 1 more transcripts); c.2084A>T, p.Glu695Val (NM_001415966.1, NM_001415967.1, NM_001415976.1 and 1 more transcripts); c.2363A>T, p.Glu788Val (NM_001415968.1, NM_001415969.1, NM_001415970.1 and 4 more transcripts); short protein forms E516V, E525V, E695V, E788V.
Identifiers: ClinVar variation 4074443 (VCV004074443.1).